The following is an entry in ClinVar:

NM_006767.4(LZTR1):c.1429G>T (p.Ala477Ser)

Gene: LZTR1 (leucine zipper like post translational regulator 1; plus strand). Cytogenetic location: 22q11.21.
Variant type: single nucleotide variant.
Coding change: c.1429G>T on transcript NM_006767.4 (MANE Select); coding-DNA position 1429, G replaced by T.
Protein change: p.Ala477Ser; replaces alanine 477 with serine.
Molecular consequence: missense variant.
Genome position (GRCh38, 1-based): chr22:20,993,999, G>T. VCF-style: chr22-20993999-G-T. GRCh37 (hg19) VCF-style: chr22-21348288-G-T.
Other names: c.1429G>T (NM_006767.3); short protein forms A477S.
Identifiers: ClinVar variation 1400133 (VCV001400133.7), dbSNP rs2147967093, ClinGen allele CA410775302.

ClinVar aggregate classification (germline): Uncertain significance. Review status: criteria provided, multiple submitters, no conflicts (2 of 4 stars). 2 submissions from 2 submitters: Uncertain significance (2). Last evaluated 2025-08-29.

Conditions:
Hereditary cancer-predisposing syndrome. Also called: Hereditary Cancer Syndrome; Hereditary neoplastic syndrome; Tumor predisposition; Neoplastic Syndromes, Hereditary. Identifiers: Orphanet 140162, MedGen C0027672, MeSH D009386, MONDO:0015356.
Cardiovascular phenotype. Identifiers: MedGen CN230736.

Submissions (2):

Ambry Genetics
Classification: Uncertain significance for Cardiovascular phenotype; Hereditary cancer-predisposing syndrome. Last evaluated: 2025-08-29. Review status: criteria provided, single submitter. Criteria: Ambry Variant Classification Scheme 2023. Collection method: clinical testing. Allele origin: germline.
Comment: The p.A477S variant (also known as c.1429G>T), located in coding exon 13 of the LZTR1 gene, results from a G to T substitution at nucleotide position 1429. The alanine at codon 477 is replaced by serine, an amino acid with similar properties. This amino acid position is conserved. In addition, the in silico prediction for this alteration is inconclusive. Based on the available evidence, the clinical significance of this variant remains unclear.

Labcorp Genetics (formerly Invitae), Labcorp
Classification: Uncertain significance. Last evaluated: 2021-11-22. Review status: criteria provided, single submitter. Criteria: Invitae Variant Classification Sherloc (09022015). Collection method: clinical testing. Allele origin: germline.
Comment: In summary, the available evidence is currently insufficient to determine the role of this variant in disease. Therefore, it has been classified as a Variant of Uncertain Significance. Algorithms developed to predict the effect of missense changes on protein structure and function (SIFT, PolyPhen-2, Align-GVGD) all suggest that this variant is likely to be disruptive. This variant has not been reported in the literature in individuals affected with LZTR1-related conditions. This variant is not present in population databases (gnomAD no frequency). This sequence change replaces alanine, which is neutral and non-polar, with serine, which is neutral and polar, at codon 477 of the LZTR1 protein (p.Ala477Ser).